The following is an entry in ClinVar:

NM_000083.3(CLCN1):c.1942dup (p.Leu648fs)

Genes: CLCN1 (chloride voltage-gated channel 1; plus strand), LOC123956257 (Sharpr-MPRA regulatory region 4117; plus strand). Cytogenetic location: 7q34.
Variant type: Duplication.
Coding change: c.1942dup on transcript NM_000083.3 (MANE Select); coding-DNA position 1942, one base duplicated (C; older notation c.1942dupC).
Protein change: p.Leu648fs; shifts the reading frame from leucine 648.
Molecular consequence: frameshift variant. On other transcripts: non-coding transcript variant (1).
Genome position (GRCh38, 1-based): chr7:143,345,532, C duplicated; the last of 2 consecutive C bases (chr7:143,345,531-143,345,532); duplicating either gives the same sequence. VCF-style (leftmost placement, unchanged base first): chr7-143345530-T-TC. GRCh37 (hg19) VCF-style: chr7-143042623-T-TC.
Other names: short protein forms L648fs.
Identifiers: ClinVar variation 4784399 (VCV004784399.1).

ClinVar aggregate classification (germline): Pathogenic (1 of 4 stars; one submission).

Conditions:
Congenital myotonia, autosomal dominant form (THD). Also called: THOMSEN DISEASE; Myotonia congenita autosomal dominant. Identifiers: Orphanet 614, MedGen C2936781, MONDO:0008055, OMIM 160800.
Congenital myotonia, autosomal recessive form. Also called: BECKER DISEASE; Becker Generalized Myotonia; myotonia congenita, autosomal recessive. Identifiers: Orphanet 614, MedGen C0751360, MONDO:0009715, OMIM 255700.

Submission:

Labcorp Genetics (formerly Invitae), Labcorp
Classification: Pathogenic for Congenital myotonia, autosomal recessive form; Congenital myotonia, autosomal dominant form. Last evaluated: 2025-03-10. Review status: criteria provided, single submitter. Criteria: Invitae Variant Classification Sherloc (09022015). Collection method: clinical testing. Allele origin: germline.
Comment: This sequence change creates a premature translational stop signal (p.Leu648Profs*21) in the CLCN1 gene. It is expected to result in an absent or disrupted protein product. Loss-of-function variants in CLCN1 are known to be pathogenic (PMID: 17932099, 22094069, 23739125). This variant is not present in population databases (gnomAD no frequency). This variant has not been reported in the literature in individuals affected with CLCN1-related conditions. Algorithms developed to predict the effect of sequence changes on RNA splicing suggest that this variant may disrupt the consensus splice site. For these reasons, this variant has been classified as Pathogenic.

Literature cited by the submitters: PubMed 17932099; PubMed 22094069; PubMed 23739125.